The following is an entry in ClinVar:

NM_006662.3(SRCAP):c.857-4A>G

Gene: SRCAP (Snf2 related CREBBP activator protein; plus strand). Cytogenetic location: 16p11.2.
Variant type: single nucleotide variant.
Coding change: c.857-4A>G on transcript NM_006662.3 (MANE Select); 4 bases into the intron before coding-DNA position 857, A replaced by G.
Molecular consequence: intron variant.
Genome position (GRCh38, 1-based): chr16:30,709,847, A>G. VCF-style: chr16-30709847-A-G. GRCh37 (hg19) VCF-style: chr16-30721168-A-G.
Identifiers: ClinVar variation 3049082 (VCV003049082.2), dbSNP rs774278541, ClinGen allele CA8010780.

ClinVar aggregate classification (germline): Likely benign (0 of 4 stars; one submission).

Conditions:
SRCAP-related disorder. Also called: SRCAP-related condition.

Allele frequency attached by ClinVar (database versions not stated): ExAC 0.00001; gnomAD 0.00001; TOPMed 0.00002; gnomAD exomes 0.00003.
gnomAD v4.1: 37 of 1,613,880 alleles (0.0023%); highest among the groups gnomAD compares: Non-Finnish European, 0.0031%; no homozygotes.

Submission:

PreventionGenetics, part of Exact Sciences
Classification: Likely benign for SRCAP-related condition. Last evaluated: 2023-08-15. Review status: no assertion criteria provided. Collection method: clinical testing. Allele origin: germline.
Comment: This variant is classified as likely benign based on ACMG/AMP sequence variant interpretation guidelines (Richards et al. 2015 PMID: 25741868, with internal and published modifications).